The following is an entry in ClinVar:

ClinVar aggregate classification (germline): Pathogenic (1 of 4 stars; one submission).

Allele frequency attached by ClinVar (database versions not stated): gnomAD exomes below 0.00001; ExAC 0.00001.
gnomAD v4.1: 6 of 1,612,930 alleles (0.00037%); highest among the groups gnomAD compares: South Asian, 0.0066%; no homozygotes.

Submission:

Labcorp Genetics (formerly Invitae), Labcorp
Classification: Pathogenic. Last evaluated: 2023-04-10. Review status: criteria provided, single submitter. Criteria: Invitae Variant Classification Sherloc (09022015). Collection method: clinical testing. Allele origin: germline.
Comment: For these reasons, this variant has been classified as Pathogenic. This variant has not been reported in the literature in individuals affected with KCNV2-related conditions. This variant is present in population databases (rs774446358, gnomAD 0.003%). This sequence change creates a premature translational stop signal (p.Gln286*) in the KCNV2 gene. It is expected to result in an absent or disrupted protein product. Loss-of-function variants in KCNV2 are known to be pathogenic (PMID: 16909397, 18235024).

Literature cited by the submitters: PubMed 16909397; PubMed 18235024.

NM_133497.4(KCNV2):c.856C>T (p.Gln286Ter)

Gene: KCNV2 (potassium voltage-gated channel modifier subfamily V member 2; plus strand). Cytogenetic location: 9p24.2.
Variant type: single nucleotide variant.
Coding change: c.856C>T on transcript NM_133497.4 (MANE Select); coding-DNA position 856, C replaced by T.
Protein change: p.Gln286Ter; replaces glutamine 286 with a stop codon.
Molecular consequence: nonsense.
Genome position (GRCh38, 1-based): chr9:2,718,595, C>T. VCF-style: chr9-2718595-C-T. GRCh37 (hg19) VCF-style: chr9-2718595-C-T.
Other names: short protein forms Q286*.
Identifiers: ClinVar variation 2872939 (VCV002872939.3), dbSNP rs774446358, ClinGen allele CA4965649.
Genomic context (GRCh38, chr9:2,718,595, plus strand): 5'-TCCAGCACCTTCGTGCTCGTCTCCGTGGTGGCGCTGGCGCTCAACACCGTGGAGGAGATG[C>T]AGCAGCACTCGGGGCAGGGCGAGGGCGGCCCAGACCTGCGGCCCATCCTGGAGCACGTGG-3'